The following is an entry in ClinVar:

ClinVar aggregate classification (germline): Uncertain significance (1 of 4 stars; one submission).

Conditions:
Catecholaminergic polymorphic ventricular tachycardia (CVPT). Also called: Catecholamine-induced polymorphic ventricular tachycardia. Identifiers: Orphanet 3286, MedGen C5574922, MONDO:0017990.

gnomAD v4.1: 4 of 1,613,856 alleles (0.00025%); highest among the groups gnomAD compares: Admixed American, 0.0067%; no homozygotes.

Submission:

All of Us Research Program, National Institutes of Health
Classification: Uncertain significance for Catecholaminergic polymorphic ventricular tachycardia. Last evaluated: 2023-07-10. Review status: criteria provided, single submitter. Criteria: ACMG Guidelines, 2015. Collection method: clinical testing. Allele origin: germline. Inheritance: Autosomal dominant inheritance. Observed: 1 variant allele, 1 heterozygote.
Comment: This missense variant replaces valine with methionine at codon 2433 of the RYR2 protein. Computational prediction suggests that this variant may have deleterious impact on protein structure and function (internally defined REVEL score threshold >= 0.7, PMID: 27666373). To our knowledge, functional studies have not been reported for this variant. This variant has not been reported in individuals affected with RYR2-related disorders in the literature. This variant has been identified in 2/249260 chromosomes in the general population by the Genome Aggregation Database (gnomAD). The available evidence is insufficient to determine the role of this variant in disease conclusively. Therefore, this variant is classified as a Variant of Uncertain Significance.

This study involves interpretation of variants in research participants for the purpose of population health screening. Participant phenotype was not available at the time of variant classification. Additional details can be found in publication PMID: 35346344, PMCID: PMC8962531

NM_001035.3(RYR2):c.7297G>A (p.Val2433Met)

Gene: RYR2 (ryanodine receptor 2; plus strand). Cytogenetic location: 1q43.
Variant type: single nucleotide variant.
Coding change: c.7297G>A on transcript NM_001035.3 (MANE Select); coding-DNA position 7297, G replaced by A.
Protein change: p.Val2433Met; replaces valine 2433 with methionine.
Molecular consequence: missense variant.
Genome position (GRCh38, 1-based): chr1:237,643,402, G>A. VCF-style: chr1-237643402-G-A. GRCh37 (hg19) VCF-style: chr1-237806702-G-A.
Other names: short protein forms V2433M.
Identifiers: ClinVar variation 3072340 (VCV003072340.1), dbSNP rs750241202, ClinGen allele CA345397009.